The following is an entry in ClinVar:

ClinVar aggregate classification (germline): Uncertain significance (1 of 4 stars; one submission).

Allele frequency attached by ClinVar (database versions not stated): gnomAD 0.00001; TOPMed 0.00001; gnomAD exomes 0.00002.
gnomAD v4.1: 32 of 1,613,446 alleles (0.002%); highest among the groups gnomAD compares: Non-Finnish European, 0.0025%; no homozygotes.

Submission:

Labcorp Genetics (formerly Invitae), Labcorp
Classification: Uncertain significance. Last evaluated: 2022-06-27. Review status: criteria provided, single submitter. Criteria: Invitae Variant Classification Sherloc (09022015). Collection method: clinical testing. Allele origin: germline.
Comment: This sequence change replaces glutamic acid, which is acidic and polar, with alanine, which is neutral and non-polar, at codon 75 of the CYFIP2 protein (p.Glu75Ala). In summary, the available evidence is currently insufficient to determine the role of this variant in disease. Therefore, it has been classified as a Variant of Uncertain Significance. Algorithms developed to predict the effect of missense changes on protein structure and function are either unavailable or do not agree on the potential impact of this missense change (SIFT: "Deleterious"; PolyPhen-2: "Not Available"; Align-GVGD: "Class C0"). This variant has not been reported in the literature in individuals affected with CYFIP2-related conditions. This variant is not present in population databases (gnomAD no frequency).

NM_001037333.3(CYFIP2):c.224A>C (p.Glu75Ala)

Gene: CYFIP2 (cytoplasmic FMR1 interacting protein 2; plus strand). Cytogenetic location: 5q33.3.
Variant type: single nucleotide variant.
Coding change: c.224A>C on transcript NM_001037333.3 (MANE Select); coding-DNA position 224, A replaced by C.
Protein change: p.Glu75Ala; replaces glutamic acid 75 with alanine.
Molecular consequence: missense variant. On other transcripts: intron variant (1).
Genome position (GRCh38, 1-based): chr5:157,294,799, A>C. VCF-style: chr5-157294799-A-C. GRCh37 (hg19) VCF-style: chr5-156721808-A-C.
Other names: c.224A>C, p.Glu75Ala (NM_001291722.2, NM_014376.4); c.208-1874A>C (NM_001291721.2); short protein forms E75A.
Identifiers: ClinVar variation 1351349 (VCV001351349.8), dbSNP rs1241385487, ClinGen allele CA361965699.